The following is an entry in ClinVar:

ClinVar aggregate classification (germline): Uncertain significance. Review status: criteria provided, multiple submitters, no conflicts (2 of 4 stars). 2 submissions from 2 submitters: Uncertain significance (2). Last evaluated 2025-04-01.

Conditions:
Autosomal dominant epilepsy with auditory features. Identifiers: Orphanet 101046, MedGen C1838062, MONDO:0010898.

Allele frequency attached by ClinVar (database versions not stated): gnomAD exomes below 0.00001; gnomAD 0.00001; TOPMed 0.00002.
gnomAD v4.1: 18 of 1,613,868 alleles (0.0011%); highest among the groups gnomAD compares: East Asian, 0.011%; no homozygotes.

Submissions (2):

CeGaT Center for Human Genetics Tuebingen
Classification: Uncertain significance. Last evaluated: 2025-04-01. Review status: criteria provided, single submitter. Criteria: CeGaT Center For Human Genetics Tuebingen Variant Classification Criteria Version 2. Collection method: clinical testing. Allele origin: germline. Affected: yes. Observed: 1 variant allele.
Comment: LGI1: PP2, BP4

Labcorp Genetics (formerly Invitae), Labcorp
Classification: Uncertain significance for Autosomal dominant epilepsy with auditory features. Last evaluated: 2024-10-21. Review status: criteria provided, single submitter. Criteria: Invitae Variant Classification Sherloc (09022015). Collection method: clinical testing. Allele origin: germline.
Comment: This sequence change replaces serine, which is neutral and polar, with leucine, which is neutral and non-polar, at codon 216 of the LGI1 protein (p.Ser216Leu). This variant is present in population databases (no rsID available, gnomAD 0.006%). This variant has not been reported in the literature in individuals affected with LGI1-related conditions. ClinVar contains an entry for this variant (Variation ID: 650978). Invitae Evidence Modeling of protein sequence and biophysical properties (such as structural, functional, and spatial information, amino acid conservation, physicochemical variation, residue mobility, and thermodynamic stability) indicates that this missense variant is not expected to disrupt LGI1 protein function with a negative predictive value of 80%. In summary, the available evidence is currently insufficient to determine the role of this variant in disease. Therefore, it has been classified as a Variant of Uncertain Significance.

NM_005097.4(LGI1):c.647C>T (p.Ser216Leu)

Gene: LGI1 (leucine rich glioma inactivated 1; plus strand). Cytogenetic location: 10q23.33.
Variant type: single nucleotide variant.
Coding change: c.647C>T on transcript NM_005097.4 (MANE Select); coding-DNA position 647, C replaced by T.
Protein change: p.Ser216Leu; replaces serine 216 with leucine.
Molecular consequence: missense variant. On other transcripts: non-coding transcript variant (1).
Genome position (GRCh38, 1-based): chr10:93,792,886, C>T. VCF-style: chr10-93792886-C-T. GRCh37 (hg19) VCF-style: chr10-95552643-C-T.
Other names: c.647C>T, p.Ser216Leu (NM_001308275.2); c.503C>T, p.Ser168Leu (NM_001308276.2); short protein forms S216L, S168L.
Identifiers: ClinVar variation 650978 (VCV000650978.15), dbSNP rs1318179573, ClinGen allele CA377623714.